The following is an entry in ClinVar:

NM_004304.5(ALK):c.4096T>A (p.Trp1366Arg)

Gene: ALK (ALK receptor tyrosine kinase; minus strand). Cytogenetic location: 2p23.2.
Variant type: single nucleotide variant.
Coding change: c.4096T>A on transcript NM_004304.5 (MANE Select); coding-DNA position 4096, T replaced by A.
Protein change: p.Trp1366Arg; replaces tryptophan 1366 with arginine.
Molecular consequence: missense variant.
Genome position (GRCh38, 1-based): chr2:29,196,838, A>T on the plus strand (T>A on the coding strand, the complement: ALK is on the minus strand). VCF-style: chr2-29196838-A-T. GRCh37 (hg19) VCF-style: chr2-29419704-A-T.
Other names: c.892T>A, p.Trp298Arg (NM_001353765.2); short protein forms W298R, W1366R.
Identifiers: ClinVar variation 2566609 (VCV002566609.2), dbSNP rs2148141926, ClinGen allele CA346465343.

ClinVar aggregate classification (germline): Uncertain significance (1 of 4 stars; one submission).

Conditions:
Hereditary cancer-predisposing syndrome. Also called: Hereditary neoplastic syndrome; Hereditary Cancer Syndrome; Neoplastic Syndromes, Hereditary; Tumor predisposition. Identifiers: Orphanet 140162, MedGen C0027672, MeSH D009386, MONDO:0015356.

Submission:

Ambry Genetics
Classification: Uncertain significance for Hereditary cancer-predisposing syndrome. Last evaluated: 2023-06-08. Review status: criteria provided, single submitter. Criteria: Ambry Variant Classification Scheme 2023. Collection method: clinical testing. Allele origin: germline.
Comment: The p.W1366R variant (also known as c.4096T>A), located in coding exon 28 of the ALK gene, results from a T to A substitution at nucleotide position 4096. The tryptophan at codon 1366 is replaced by arginine, an amino acid with dissimilar properties. This amino acid position is conserved. In addition, this alteration is predicted to be deleterious by in silico analysis. Since supporting evidence is limited at this time, the clinical significance of this alteration remains unclear.